The following is an entry in ClinVar:

ClinVar aggregate classification (germline): Uncertain significance (1 of 4 stars; one submission).

Allele frequency attached by ClinVar (database versions not stated): gnomAD 0.00001; gnomAD exomes 0.00001; TOPMed 0.00001.
gnomAD v4.1: 17 of 1,613,988 alleles (0.0011%); highest among the groups gnomAD compares: Non-Finnish European, 0.0014%; no homozygotes.

Submission:

Labcorp Genetics (formerly Invitae), Labcorp
Classification: Uncertain significance. Last evaluated: 2022-03-10. Review status: criteria provided, single submitter. Criteria: Invitae Variant Classification Sherloc (09022015). Collection method: clinical testing. Allele origin: germline.
Comment: This sequence change replaces cysteine, which is neutral and slightly polar, with tyrosine, which is neutral and polar, at codon 24 of the C8B protein (p.Cys24Tyr). This variant is present in population databases (no rsID available, gnomAD 0.0009%). In summary, the available evidence is currently insufficient to determine the role of this variant in disease. Therefore, it has been classified as a Variant of Uncertain Significance. Algorithms developed to predict the effect of missense changes on protein structure and function output the following: SIFT: "Tolerated"; PolyPhen-2: "Benign"; Align-GVGD: "Class C0". The tyrosine amino acid residue is found in multiple mammalian species, which suggests that this missense change does not adversely affect protein function. This variant has not been reported in the literature in individuals affected with C8B-related conditions.

NM_000066.4(C8B):c.71G>A (p.Cys24Tyr)

Gene: C8B (complement C8 beta chain; minus strand). Cytogenetic location: 1p32.2.
Variant type: single nucleotide variant.
Coding change: c.71G>A on transcript NM_000066.4 (MANE Select); coding-DNA position 71, G replaced by A.
Protein change: p.Cys24Tyr; replaces cysteine 24 with tyrosine.
Molecular consequence: missense variant. On other transcripts: 5 prime UTR variant (2).
Genome position (GRCh38, 1-based): chr1:56,965,878, C>T on the plus strand (G>A on the coding strand, the complement: C8B is on the minus strand). VCF-style: chr1-56965878-C-T. GRCh37 (hg19) VCF-style: chr1-57431551-C-T.
Other names: c.-308G>A (NM_001278543.2); c.-245G>A (NM_001278544.2); short protein forms C24Y.
Identifiers: ClinVar variation 1966238 (VCV001966238.5), dbSNP rs1325533892, ClinGen allele CA340514723.